The following is an entry in ClinVar:

NM_032043.3(BRIP1):c.1012G>C (p.Glu338Gln)

Gene: BRIP1 (BRCA1 interacting DNA helicase 1; minus strand). Cytogenetic location: 17q23.2.
Variant type: single nucleotide variant.
Coding change: c.1012G>C on transcript NM_032043.3 (MANE Select); coding-DNA position 1012, G replaced by C.
Protein change: p.Glu338Gln; replaces glutamic acid 338 with glutamine.
Molecular consequence: missense variant.
Genome position (GRCh38, 1-based): chr17:61,801,381, C>G on the plus strand (G>C on the coding strand, the complement: BRIP1 is on the minus strand). VCF-style: chr17-61801381-C-G. GRCh37 (hg19) VCF-style: chr17-59878742-C-G.
Other names: short protein forms E338Q.
Identifiers: ClinVar variation 1718229 (VCV001718229.5), dbSNP rs777653224, ClinGen allele CA8690817.

ClinVar aggregate classification (germline): Uncertain significance (1 of 4 stars; one submission).

Conditions:
Familial cancer of breast. Also called: BREAST CANCER, FAMILIAL; Hereditary breast cancer; hereditary breast carcinoma. Identifiers: Orphanet 227535, MedGen C0346153, MONDO:0016419, OMIM 114480. Disease mechanism: loss of function.
Fanconi anemia complementation group J. Also called: BRIP1-Related Fanconi Anemia. Identifiers: Orphanet 84, MedGen C1836860, MONDO:0012187, OMIM 609054.

Allele frequency attached by ClinVar (database versions not stated): ExAC 0.00001.
gnomAD v4.1: 1 of 1,613,964 alleles (0.000062%); highest among the groups gnomAD compares: South Asian, 0.0011%; no homozygotes.

Submission:

Labcorp Genetics (formerly Invitae), Labcorp
Classification: Uncertain significance for Familial cancer of breast; Fanconi anemia complementation group J. Last evaluated: 2022-08-28. Review status: criteria provided, single submitter. Criteria: Invitae Variant Classification Sherloc (09022015). Collection method: clinical testing. Allele origin: germline.
Comment: Algorithms developed to predict the effect of missense changes on protein structure and function (SIFT, PolyPhen-2, Align-GVGD) all suggest that this variant is likely to be disruptive. In summary, the available evidence is currently insufficient to determine the role of this variant in disease. Therefore, it has been classified as a Variant of Uncertain Significance. This variant has not been reported in the literature in individuals affected with BRIP1-related conditions. This variant is present in population databases (rs777653224, gnomAD 0.003%). This sequence change replaces glutamic acid, which is acidic and polar, with glutamine, which is neutral and polar, at codon 338 of the BRIP1 protein (p.Glu338Gln).